The following is an entry in ClinVar:

NM_004456.5(EZH2):c.729-7A>G

Gene: EZH2 (enhancer of zeste 2 polycomb repressive complex 2 subunit; minus strand). Cytogenetic location: 7q36.1.
Variant type: single nucleotide variant.
Coding change: c.729-7A>G on transcript NM_004456.5 (MANE Select); 7 bases into the intron before coding-DNA position 729, A replaced by G.
Molecular consequence: intron variant.
Genome position (GRCh38, 1-based): chr7:148,826,639, T>C on the plus strand (A>G on the coding strand, the complement: EZH2 is on the minus strand). VCF-style: chr7-148826639-T-C. GRCh37 (hg19) VCF-style: chr7-148523731-T-C.
Other names: c.702-7A>G (NM_001203248.2, NM_001203249.2); c.612-7A>G (NM_152998.3); c.729-7A>G (NM_001203247.2).
Identifiers: ClinVar variation 3901670 (VCV003901670.1).

ClinVar aggregate classification (germline): Uncertain significance (1 of 4 stars; one submission).

Submission:

GeneDx
Classification: Uncertain significance. Last evaluated: 2024-12-04. Review status: criteria provided, single submitter. Criteria: GeneDx Variant Classification Process June 2021. Collection method: clinical testing. Allele origin: germline. Affected: yes.
Comment: Not observed at significant frequency in large population cohorts (gnomAD); In silico analysis supports a deleterious effect on splicing; Has not been previously published as pathogenic or benign to our knowledge